The following is an entry in ClinVar:

ClinVar aggregate classification (germline): Uncertain significance (1 of 4 stars; one submission).

Conditions:
Hereditary cancer-predisposing syndrome. Also called: Neoplastic Syndromes, Hereditary; Hereditary Cancer Syndrome; Hereditary neoplastic syndrome; Tumor predisposition. Identifiers: Orphanet 140162, MedGen C0027672, MeSH D009386, MONDO:0015356.

Submission:

Ambry Genetics
Classification: Uncertain significance for Hereditary cancer-predisposing syndrome. Last evaluated: 2016-04-25. Review status: criteria provided, single submitter. Criteria: Ambry Variant Classification Scheme 2023. Collection method: clinical testing. Allele origin: germline.
Comment: The p.E1428D variant (also known as c.4284A>C), located in coding exon 28 of the ATM gene, results from an A to C substitution at nucleotide position 4284. The glutamic acid at codon 1428 is replaced by aspartic acid, an amino acid with highly similar properties. This variant was not reported in population based cohorts in the following databases: Database of Single Nucleotide Polymorphisms (dbSNP), NHLBI Exome Sequencing Project (ESP), and 1000 Genomes Project. In the ESP, this variant was not observed in 6494 samples (12988 alleles) with coverage at this position. To date, this alteration has been detected with an allele frequency of approximately 0.001% (greater than 125000 alleles tested) in our clinical cohort. In addition, this alteration is predicted to be tolerated by in silico analysis. Since supporting evidence is limited at this time, the clinical significance of this alteration remains unclear.

NM_000051.4(ATM):c.4284A>C (p.Glu1428Asp)

Gene: ATM (ATM serine/threonine kinase; plus strand). Cytogenetic location: 11q22.3.
Variant type: single nucleotide variant.
Coding change: c.4284A>C on transcript NM_000051.4 (MANE Select); coding-DNA position 4284, A replaced by C.
Protein change: p.Glu1428Asp; replaces glutamic acid 1428 with aspartic acid.
Molecular consequence: missense variant.
Genome position (GRCh38, 1-based): chr11:108,289,649, A>C. VCF-style: chr11-108289649-A-C. GRCh37 (hg19) VCF-style: chr11-108160376-A-C.
Other names: c.4284A>C, p.Glu1428Asp (NM_001351834.2); short protein forms E1428D.
Identifiers: ClinVar variation 478977 (VCV000478977.5), dbSNP rs1555097441, ClinGen allele CA382531376.